The following is an entry in ClinVar:

NM_001127208.3(TET2):c.3946C>A (p.Pro1316Thr)

Genes: TET2 (tet methylcytosine dioxygenase 2; plus strand), TET2-AS1 (TET2 antisense RNA 1; minus strand). Cytogenetic location: 4q24.
Variant type: single nucleotide variant.
Coding change: c.3946C>A on transcript NM_001127208.3 (MANE Select); coding-DNA position 3946, C replaced by A.
Protein change: p.Pro1316Thr; replaces proline 1316 with threonine.
Molecular consequence: missense variant.
Genome position (GRCh38, 1-based): chr4:105,259,761, C>A. VCF-style: chr4-105259761-C-A. GRCh37 (hg19) VCF-style: chr4-106180918-C-A.
Other names: short protein forms P1316T.
Identifiers: ClinVar variation 3008722 (VCV003008722.3), dbSNP rs1279575206, ClinGen allele CA357807420.
Genomic context (GRCh38, chr4:105,259,761, plus strand): 5'-AATGGATGTAAGTTTGCCAGAAGCAAGATCCCAAGGAAGTTTAAGCTGCTTGGGGATGAC[C>A]CAAAAGAGGTTTGTTTACTTCCTGATGTATAATCGCTTTATTTTTCATAGAGAATTCATT-3'
Protein context (NP_001120680.1, residues 1306-1326): PRKFKLLGDD[Pro1316Thr]KEEEKLESHL

ClinVar aggregate classification (germline): Uncertain significance (1 of 4 stars; one submission).

Allele frequency attached by ClinVar (database versions not stated): gnomAD 0.00001.
gnomAD v4.1: 2 of 1,549,926 alleles (0.00013%); highest among the groups gnomAD compares: African/African-American, 0.0027%; no homozygotes.

Submission:

Labcorp Genetics (formerly Invitae), Labcorp
Classification: Uncertain significance. Last evaluated: 2025-06-03. Review status: criteria provided, single submitter. Criteria: Invitae Variant Classification Sherloc (09022015). Collection method: clinical testing. Allele origin: germline.
Comment: This sequence change replaces proline, which is neutral and non-polar, with threonine, which is neutral and polar, at codon 1316 of the TET2 protein (p.Pro1316Thr). This variant is not present in population databases (gnomAD no frequency). This variant has not been reported in the literature in individuals affected with TET2-related conditions. ClinVar contains an entry for this variant (Variation ID: 3008722). An algorithm developed to predict the effect of missense changes on protein structure and function (PolyPhen-2) suggests that this variant is likely to be disruptive. In summary, the available evidence is currently insufficient to determine the role of this variant in disease. Therefore, it has been classified as a Variant of Uncertain Significance.